The following is an entry in ClinVar:

NM_020631.6(PLEKHG5):c.510G>A (p.Pro170=)

Gene: PLEKHG5 (pleckstrin homology and RhoGEF domain containing G5; minus strand). Cytogenetic location: 1p36.31.
Variant type: single nucleotide variant.
Coding change: c.510G>A on transcript NM_020631.6 (MANE Select); coding-DNA position 510, G replaced by A.
Protein change: p.Pro170=; no amino-acid change (proline 170 retained).
Molecular consequence: synonymous variant.
Genome position (GRCh38, 1-based): chr1:6,474,094, C>T on the plus strand (G>A on the coding strand, the complement: PLEKHG5 is on the minus strand). VCF-style: chr1-6474094-C-T. GRCh37 (hg19) VCF-style: chr1-6534154-C-T.
Other names: c.621G>A, p.Pro207= (NM_001042663.3, NM_001265592.2); c.510G>A, p.Pro170= (NM_001042664.2, NM_001042665.2, NM_001265594.3 and 1 more transcripts); c.717G>A, p.Pro239= (NM_001265593.2).
Identifiers: ClinVar variation 1186818 (VCV001186818.13), dbSNP rs773624292, ClinGen allele CA561828.

ClinVar aggregate classification (germline): Benign/Likely benign. Review status: criteria provided, multiple submitters, no conflicts (2 of 4 stars). 4 submissions from 4 submitters: Benign (1); Likely benign (3). Last evaluated 2025-12-30.

Conditions:
PLEKHG5-related disorder. Also called: PLEKHG5-related condition.
Charcot-Marie-Tooth disease recessive intermediate C. Also called: CHARCOT-MARIE-TOOTH NEUROPATHY, RECESSIVE INTERMEDIATE C. Identifiers: Orphanet 369867, MedGen C3809309, MONDO:0014154, OMIM 615376.
Neuronopathy, distal hereditary motor, autosomal recessive 4. Also called: NEUROPATHY, DISTAL HEREDITARY MOTOR, AUTOSOMAL RECESSIVE 4; Autosomal recessive lower motor neuron disease with childhood onset. Identifiers: Orphanet 206580, MedGen C1970211, MONDO:0012608, OMIM 611067.

Allele frequency attached by ClinVar (database versions not stated): gnomAD 0.00001; gnomAD exomes 0.00008 and 0.00039; TOPMed 0.00015; ExAC 0.00039.
gnomAD v4.1: 121 of 1,613,026 alleles (0.0075%); highest among the groups gnomAD compares: Admixed American, 0.16%; 1 homozygote.

Submissions (4):

Labcorp Genetics (formerly Invitae), Labcorp
Classification: Benign for Neuronopathy, distal hereditary motor, autosomal recessive 4; Charcot-Marie-Tooth disease recessive intermediate C. Last evaluated: 2025-12-30. Review status: criteria provided, single submitter. Criteria: Invitae Variant Classification Sherloc (09022015). Collection method: clinical testing. Allele origin: germline.

PreventionGenetics, part of Exact Sciences
Classification: Likely benign for PLEKHG5-related condition. Last evaluated: 2024-11-03. Review status: criteria provided, single submitter. Criteria: ACMG Guidelines, 2015. Collection method: clinical testing. Allele origin: germline.
Comment: This variant is classified as likely benign based on ACMG/AMP sequence variant interpretation guidelines (Richards et al. 2015 PMID: 25741868, with internal and published modifications).

ARUP Laboratories, Molecular Genetics and Genomics, ARUP Laboratories
Classification: Likely benign. Last evaluated: 2022-04-07. Review status: criteria provided, single submitter. Criteria: ARUP Molecular Germline Variant Investigation Process 2021. Collection method: clinical testing. Allele origin: germline.

GeneDx
Classification: Likely benign. Last evaluated: 2019-10-15. Review status: criteria provided, single submitter. Criteria: GeneDx Variant Classification Process June 2021. Collection method: clinical testing. Allele origin: germline. Affected: yes.